The following is an entry in ClinVar:

ClinVar aggregate classification (germline): Uncertain significance. Review status: criteria provided, multiple submitters, no conflicts (2 of 4 stars). 2 submissions from 2 submitters: Uncertain significance (2). Last evaluated 2025-08-18.

Conditions:
Inborn genetic diseases. Identifiers: MedGen C0950123, MeSH D030342.

Allele frequency attached by ClinVar (database versions not stated): gnomAD exomes below 0.00001; TOPMed below 0.00001.

Submissions (2):

Labcorp Genetics (formerly Invitae), Labcorp
Classification: Uncertain significance. Last evaluated: 2025-08-18. Review status: criteria provided, single submitter. Criteria: Invitae Variant Classification Sherloc (09022015). Collection method: clinical testing. Allele origin: germline.
Comment: This sequence change replaces methionine, which is neutral and non-polar, with valine, which is neutral and non-polar, at codon 340 of the SERPINH1 protein (p.Met340Val). This variant is present in population databases (no rsID available, gnomAD 0.003%). This variant has not been reported in the literature in individuals affected with SERPINH1-related conditions. ClinVar contains an entry for this variant (Variation ID: 1938780). Invitae Evidence Modeling of protein sequence and biophysical properties (such as structural, functional, and spatial information, amino acid conservation, physicochemical variation, residue mobility, and thermodynamic stability) indicates that this missense variant is not expected to disrupt SERPINH1 protein function with a negative predictive value of 80%. In summary, the available evidence is currently insufficient to determine the role of this variant in disease. Therefore, it has been classified as a Variant of Uncertain Significance.

Ambry Genetics
Classification: Uncertain significance for Inborn genetic diseases. Last evaluated: 2023-01-23. Review status: criteria provided, single submitter. Criteria: Ambry Variant Classification Scheme 2023. Collection method: clinical testing. Allele origin: germline.

NM_001235.5(SERPINH1):c.1018A>G (p.Met340Val)

Gene: SERPINH1 (serpin family H member 1; plus strand). Cytogenetic location: 11q13.5.
Variant type: single nucleotide variant.
Coding change: c.1018A>G on transcript NM_001235.5 (MANE Select); coding-DNA position 1018, A replaced by G.
Protein change: p.Met340Val; replaces methionine 340 with valine.
Molecular consequence: missense variant.
Genome position (GRCh38, 1-based): chr11:75,571,844, A>G. VCF-style: chr11-75571844-A-G. GRCh37 (hg19) VCF-style: chr11-75282889-A-G.
Other names: c.1018A>G, p.Met340Val (NM_001207014.3); short protein forms M340V.
Identifiers: ClinVar variation 1938780 (VCV001938780.7), dbSNP rs899357876, ClinGen allele CA224661900.